The following is an entry in ClinVar:

ClinVar aggregate classification (germline): Pathogenic. Review status: criteria provided, single submitter (1 of 4 stars). 2 submissions from 2 submitters: Pathogenic (1). 1 of the submissions does not count toward it. Last evaluated 2022-06-09.

Conditions:
Xeroderma pigmentosum, group C (XPC). Also called: XERODERMA PIGMENTOSUM III; XP, GROUP C; Xeroderma pigmentosum, complementation group C; XPC-Related Xeroderma Pigmentosum. Identifiers: Orphanet 910, MedGen C2752147, MONDO:0010211, OMIM 278720.

Allele frequency attached by ClinVar (database versions not stated): ExAC 0.00001.

Submissions (2):

Labcorp Genetics (formerly Invitae), Labcorp
Classification: Pathogenic. Last evaluated: 2022-06-09. Review status: criteria provided, single submitter. Criteria: Invitae Variant Classification Sherloc (09022015). Collection method: clinical testing. Allele origin: germline.
Comment: This sequence change creates a premature translational stop signal (p.Lys522*) in the XPC gene. It is expected to result in an absent or disrupted protein product. Loss-of-function variants in XPC are known to be pathogenic (PMID: 23173980, 25256075). This variant is present in population databases (rs746250060, gnomAD 0.01%). This premature translational stop signal has been observed in individual(s) with xeroderma pigmentosum (PMID: 16081512). ClinVar contains an entry for this variant (Variation ID: 549952). For these reasons, this variant has been classified as Pathogenic.

Counsyl
Classification: Likely pathogenic for Xeroderma pigmentosum, group C. Last evaluated: 2017-01-11. Review status: no assertion criteria provided. Collection method: clinical testing. Allele origin: unknown. Not counted in ClinVar's aggregate classification.

Literature cited by the submitters: PubMed 23173980 (cited by Labcorp Genetics (formerly Invitae), Labcorp); PubMed 25256075 (cited by Labcorp Genetics (formerly Invitae), Labcorp); PubMed 16081512 (cited by Labcorp Genetics (formerly Invitae), Labcorp and Counsyl); PubMed 25525159 (cited by Counsyl).

NM_004628.5(XPC):c.1564A>T (p.Lys522Ter)

Gene: XPC (XPC complex subunit, DNA damage recognition and repair factor; minus strand). Cytogenetic location: 3p25.1.
Variant type: single nucleotide variant.
Coding change: c.1564A>T on transcript NM_004628.5 (MANE Select); coding-DNA position 1564, A replaced by T.
Protein change: p.Lys522Ter; replaces lysine 522 with a stop codon.
Molecular consequence: nonsense. On other transcripts: non-coding transcript variant (2).
Genome position (GRCh38, 1-based): chr3:14,158,319, T>A on the plus strand (A>T on the coding strand, the complement: XPC is on the minus strand). VCF-style: chr3-14158319-T-A. GRCh37 (hg19) VCF-style: chr3-14199819-T-A.
Other names: c.1564A>T, p.Lys522Ter (NM_001354727.2, NM_001354730.2); c.1546A>T, p.Lys516Ter (NM_001354729.2); c.985A>T, p.Lys329Ter (NM_001354726.2); short protein forms K522*, K329*, K516*.
Identifiers: ClinVar variation 549952 (VCV000549952.6), dbSNP rs746250060, ClinGen allele CA2267409.